The following is an entry in ClinVar:

ClinVar aggregate classification (germline): Uncertain significance (1 of 4 stars; one submission).

Conditions:
PKD1-related disorder. Also called: PKD1-related condition.

gnomAD v4.1: 17 of 1,598,084 alleles (0.0011%); highest among the groups gnomAD compares: African/African-American, 0.0053%; no homozygotes.

Submission:

PreventionGenetics, part of Exact Sciences
Classification: Uncertain significance for PKD1-related condition. Last evaluated: 2026-03-31. Review status: criteria provided, single submitter. Criteria: ACMG Guidelines, 2015. Collection method: clinical testing. Allele origin: germline.
Comment: The PKD1 c.2579G>A variant is predicted to result in the amino acid substitution p.Arg860His. To our knowledge, this variant has not been reported in the literature. This variant is reported in 0.0066% of alleles in individuals of South Asian descent in gnomAD. At this time, the clinical significance of this variant is uncertain due to the absence of conclusive functional and genetic evidence.

NM_001009944.3(PKD1):c.2579G>A (p.Arg860His)

Gene: PKD1 (polycystin 1, transient receptor potential channel interacting; minus strand). Cytogenetic location: 16p13.3.
Variant type: single nucleotide variant.
Coding change: c.2579G>A on transcript NM_001009944.3 (MANE Select); coding-DNA position 2579, G replaced by A.
Protein change: p.Arg860His; replaces arginine 860 with histidine.
Molecular consequence: missense variant.
Genome position (GRCh38, 1-based): chr16:2,114,444, C>T on the plus strand (G>A on the coding strand, the complement: PKD1 is on the minus strand). VCF-style: chr16-2114444-C-T. GRCh37 (hg19) VCF-style: chr16-2164445-C-T.
Other names: c.2579G>A, p.Arg860His (NM_000296.4); short protein forms R860H.
Identifiers: ClinVar variation 4981277 (VCV004981277.1).